The following is an entry in ClinVar:

NM_138801.3(GALM):c.602A>G (p.Tyr201Cys)

Gene: GALM (galactose mutarotase; plus strand). Cytogenetic location: 2p22.1.
Variant type: single nucleotide variant.
Coding change: c.602A>G on transcript NM_138801.3 (MANE Select); coding-DNA position 602, A replaced by G.
Protein change: p.Tyr201Cys; replaces tyrosine 201 with cysteine.
Molecular consequence: missense variant.
Genome position (GRCh38, 1-based): chr2:38,689,862, A>G. VCF-style: chr2-38689862-A-G. GRCh37 (hg19) VCF-style: chr2-38917004-A-G.
Other names: short protein forms Y201C.
Identifiers: ClinVar variation 1365327 (VCV001365327.5), dbSNP rs141134809, ClinGen allele CA1621595.

ClinVar aggregate classification (germline): Uncertain significance (1 of 4 stars; one submission).

Allele frequency attached by ClinVar (database versions not stated): gnomAD exomes 0.00006 and 0.00017; ExAC 0.00021; TOPMed 0.00052; gnomAD 0.00055 and 0.00056; 1000 Genomes Project 30x 0.00062; 1000 Genomes Project 0.00080; ESP Exome Variant Server 0.00115.

Submission:

Labcorp Genetics (formerly Invitae), Labcorp
Classification: Uncertain significance. Last evaluated: 2024-01-16. Review status: criteria provided, single submitter. Criteria: Invitae Variant Classification Sherloc (09022015). Collection method: clinical testing. Allele origin: germline.
Comment: This sequence change replaces tyrosine, which is neutral and polar, with cysteine, which is neutral and slightly polar, at codon 201 of the GALM protein (p.Tyr201Cys). This variant is present in population databases (rs141134809, gnomAD 0.2%). This variant has not been reported in the literature in individuals affected with GALM-related conditions. ClinVar contains an entry for this variant (Variation ID: 1365327). Advanced modeling of protein sequence and biophysical properties (such as structural, functional, and spatial information, amino acid conservation, physicochemical variation, residue mobility, and thermodynamic stability) performed at Invitae indicates that this missense variant is expected to disrupt GALM protein function with a positive predictive value of 80%. Studies have shown that this missense change alters GALM gene expression (PMID: 30910422). In summary, the available evidence is currently insufficient to determine the role of this variant in disease. Therefore, it has been classified as a Variant of Uncertain Significance.

Literature cited by the submitters: PubMed 30910422.